The following is an entry in ClinVar:

NM_001375524.1(TRRAP):c.7772T>C (p.Ile2591Thr)

Gene: TRRAP (transformation/transcription domain associated protein; plus strand). Cytogenetic location: 7q22.1.
Variant type: single nucleotide variant.
Coding change: c.7772T>C on transcript NM_001375524.1 (MANE Select); coding-DNA position 7772, T replaced by C.
Protein change: p.Ile2591Thr; replaces isoleucine 2591 with threonine.
Molecular consequence: missense variant.
Genome position (GRCh38, 1-based): chr7:98,971,878, T>C. VCF-style: chr7-98971878-T-C. GRCh37 (hg19) VCF-style: chr7-98569501-T-C.
Other names: c.7751T>C, p.Ile2584Thr (NM_001244580.2); c.7697T>C, p.Ile2566Thr (NM_003496.4); short protein forms I2566T, I2591T, I2584T.
Identifiers: ClinVar variation 1964901 (VCV001964901.5), dbSNP rs1209361334, ClinGen allele CA368298329.

ClinVar aggregate classification (germline): Uncertain significance (1 of 4 stars; one submission).

Allele frequency attached by ClinVar (database versions not stated): gnomAD 0.00001.
gnomAD v4.1: 1 of 1,614,086 alleles (0.000062%); highest among the groups gnomAD compares: Non-Finnish European, 0.000085%; no homozygotes.

Submission:

Labcorp Genetics (formerly Invitae), Labcorp
Classification: Uncertain significance. Last evaluated: 2022-02-03. Review status: criteria provided, single submitter. Criteria: Invitae Variant Classification Sherloc (09022015). Collection method: clinical testing. Allele origin: germline.
Comment: In summary, the available evidence is currently insufficient to determine the role of this variant in disease. Therefore, it has been classified as a Variant of Uncertain Significance. This sequence change replaces isoleucine, which is neutral and non-polar, with threonine, which is neutral and polar, at codon 2566 of the TRRAP protein (p.Ile2566Thr). This variant is present in population databases (no rsID available, gnomAD 0.007%). This variant has not been reported in the literature in individuals affected with TRRAP-related conditions. Algorithms developed to predict the effect of missense changes on protein structure and function are either unavailable or do not agree on the potential impact of this missense change (SIFT: "Deleterious"; PolyPhen-2: "Benign"; Align-GVGD: "Class C0").